The following is an entry in ClinVar:

NM_015102.5(NPHP4):c.1764-27G>A

Gene: NPHP4 (nephrocystin 4; minus strand). Cytogenetic location: 1p36.31.
Variant type: single nucleotide variant.
Coding change: c.1764-27G>A on transcript NM_015102.5 (MANE Select); 27 bases into the intron before coding-DNA position 1764, G replaced by A.
Molecular consequence: intron variant.
Genome position (GRCh38, 1-based): chr1:5,905,510, C>T on the plus strand (G>A on the coding strand, the complement: NPHP4 is on the minus strand). VCF-style: chr1-5905510-C-T. GRCh37 (hg19) VCF-style: chr1-5965570-C-T.
Other names: p.?; c.228-27G>A (NM_001291594.2); c.225-27G>A (NM_001291593.2).
Identifiers: ClinVar variation 4684186 (VCV004684186.1).

ClinVar aggregate classification (germline): Benign (1 of 4 stars; one submission).

gnomAD v4.1: 1,803 of 1,596,892 alleles (0.11%); highest among the groups gnomAD compares: African/African-American, 2.1%; 15 homozygotes.

Submission:

Mayo Clinic Laboratories, Mayo Clinic
Classification: Benign. Last evaluated: 2021-12-01. Review status: criteria provided, single submitter. Criteria: ACMG Guidelines, 2015. Collection method: clinical testing. Allele origin: germline. Observed: 4 variant alleles.
Comment: BA1, BP4